The following is an entry in ClinVar:

ClinVar aggregate classification (germline): Benign. Review status: criteria provided, multiple submitters, no conflicts (2 of 4 stars). 4 submissions from 4 submitters: Benign (3). 1 of the submissions does not count toward it. Last evaluated 2021-09-05.

Conditions:
Ataxia with oculomotor apraxia type 3. Also called: Ataxia-oculomotor apraxia 3. Identifiers: Orphanet 64753, MedGen C3554690, MONDO:0014084, OMIM 615217.

Allele frequency attached by ClinVar (database versions not stated): gnomAD exomes 0.40100 and 0.41001; ExAC 0.41030; 1000 Genomes Project 0.44269; 1000 Genomes Project 30x 0.45191; gnomAD 0.46892 and 0.47651; TOPMed 0.48647; ESP Exome Variant Server 0.50261.
gnomAD v4.1: 670,594 of 1,611,776 alleles (42%); highest among the groups gnomAD compares: African/African-American, 67%; 144,278 homozygotes.

Submissions (4):

Genome-Nilou Lab
Classification: Benign for Ataxia with oculomotor apraxia type 3. Last evaluated: 2021-09-05. Review status: criteria provided, single submitter. Criteria: ACMG Guidelines, 2015. Collection method: clinical testing. Allele origin: germline. Affected: no.

Breakthrough Genomics
Classification: Benign. Review status: criteria provided, single submitter. Criteria: ACMG Guidelines, 2015. Collection method: not provided. Allele origin: germline. Inheritance: Autosomal recessive inheritance. Affected: yes.

PreventionGenetics, part of Exact Sciences
Classification: Benign. Review status: criteria provided, single submitter. Criteria: ACMG Guidelines, 2015. Collection method: clinical testing. Allele origin: germline.

Genetic Services Laboratory, University of Chicago
Classification: Likely benign for AllHighlyPenetrant. Review status: no assertion criteria provided. Collection method: clinical testing. Allele origin: germline. Inheritance: Autosomal recessive inheritance. Not counted in ClinVar's aggregate classification.
Comment: Likely benign based on allele frequency in 1000 Genomes Project or ESP global frequency and its presence in a patient with a rare or unrelated disease phenotype. NOT Sanger confirmed.

NM_001142633.3(PIK3R5):c.837C>T (p.His279=)

Gene: PIK3R5 (phosphoinositide-3-kinase regulatory subunit 5; minus strand). Cytogenetic location: 17p13.1.
Variant type: single nucleotide variant.
Coding change: c.837C>T on transcript NM_001142633.3 (MANE Select); coding-DNA position 837, C replaced by T.
Protein change: p.His279=; no amino-acid change (histidine 279 retained).
Molecular consequence: synonymous variant. On other transcripts: 5 prime UTR variant (8).
Genome position (GRCh38, 1-based): chr17:8,889,197, G>A on the plus strand (C>T on the coding strand, the complement: PIK3R5 is on the minus strand). VCF-style: chr17-8889197-G-A. GRCh37 (hg19) VCF-style: chr17-8792514-G-A.
Other names: c.-384C>T (NM_001251851.2); c.-322C>T (NM_001251852.2, NM_001251853.2, NM_001251855.2 and 4 more transcripts); c.837C>T, p.His279= (NM_001388396.1, NM_014308.4).
Identifiers: ClinVar variation 129894 (VCV000129894.10), dbSNP rs394811, ClinGen allele CA154251.
Genomic context (GRCh38, chr17:8,889,197, plus strand): 5'-ACCAAAGCTGTCCTGGCTCCAGCTGTAGGTGTAGCACCTGGCGACAGGGATGGGGATGGT[G>A]TGGAGCTTCCCTGGTTTTGCAGTGTCTGTAAGAACAGGGAGGATAGGAGAAGAGGGCTGG-3'
Protein context (NP_001136105.1, residues 269-289): VLDTAKPGKL[His279=]TIPIPVARCY